The following is an entry in ClinVar:

ClinVar aggregate classification (germline): Uncertain significance (1 of 4 stars; one submission).

Conditions:
Ehlers-Danlos syndrome, classic type, 1 (EDSCL1). Also called: EHLERS-DANLOS SYNDROME, GRAVIS TYPE; EHLERS-DANLOS SYNDROME, SEVERE CLASSIC TYPE; Ehlers-Danlos syndrome, type 1; Ehlers-Danlos Syndrome, Classic Type, COL5A1-Related; EDS I. Identifiers: MedGen C0268335, MONDO:0019567, OMIM 130000.

gnomAD v4.1: 1 of 1,609,088 alleles (0.000062%); highest among the groups gnomAD compares: Non-Finnish European, 0.000085%; no homozygotes.

Submission:

Labcorp Genetics (formerly Invitae), Labcorp
Classification: Uncertain significance for Ehlers-Danlos syndrome, classic type, 1. Last evaluated: 2023-05-22. Review status: criteria provided, single submitter. Criteria: Invitae Variant Classification Sherloc (09022015). Collection method: clinical testing. Allele origin: germline.
Comment: Advanced modeling of protein sequence and biophysical properties (such as structural, functional, and spatial information, amino acid conservation, physicochemical variation, residue mobility, and thermodynamic stability) performed at Invitae indicates that this missense variant is not expected to disrupt COL5A1 protein function. This sequence change replaces proline, which is neutral and non-polar, with leucine, which is neutral and non-polar, at codon 1151 of the COL5A1 protein (p.Pro1151Leu). This variant is not present in population databases (gnomAD no frequency). This variant has not been reported in the literature in individuals affected with COL5A1-related conditions. In summary, the available evidence is currently insufficient to determine the role of this variant in disease. Therefore, it has been classified as a Variant of Uncertain Significance.

NM_000093.5(COL5A1):c.3452C>T (p.Pro1151Leu)

Gene: COL5A1 (collagen type V alpha 1 chain; plus strand). Cytogenetic location: 9q34.3.
Variant type: single nucleotide variant.
Coding change: c.3452C>T on transcript NM_000093.5 (MANE Select); coding-DNA position 3452, C replaced by T.
Protein change: p.Pro1151Leu; replaces proline 1151 with leucine.
Molecular consequence: missense variant.
Genome position (GRCh38, 1-based): chr9:134,809,268, C>T. VCF-style: chr9-134809268-C-T. GRCh37 (hg19) VCF-style: chr9-137701114-C-T.
Other names: c.3452C>T, p.Pro1151Leu (NM_001278074.1); short protein forms P1151L.
Identifiers: ClinVar variation 2867257 (VCV002867257.3), dbSNP rs1161280233, ClinGen allele CA375453083.